The following is an entry in ClinVar:

NM_004006.3(DMD):c.8390+2T>C

Gene: DMD (dystrophin; minus strand). Cytogenetic location: Xp21.1.
Variant type: single nucleotide variant.
Coding change: c.8390+2T>C on transcript NM_004006.3 (MANE Select); the canonical splice donor site of the intron after coding-DNA position 8390, T replaced by C.
Molecular consequence: splice donor variant.
Genome position (GRCh38, 1-based): chrX:31,507,279, A>G on the plus strand (T>C on the coding strand, the complement: DMD is on the minus strand). VCF-style: chrX-31507279-A-G. GRCh37 (hg19) VCF-style: chrX-31525396-A-G.
Other names: c.8366+2T>C (NM_000109.4); c.4367+2T>C (NM_004011.4); c.4358+2T>C (NM_004012.4); c.1010+2T>C (NM_004023.3, NM_004020.4, NM_004022.3 and 2 more transcripts); c.203+2T>C (NM_004014.3); c.8378+2T>C (NM_004009.3); c.8021+2T>C (NM_004010.3).
Identifiers: ClinVar variation 217215 (VCV000217215.2), dbSNP rs863225013, ClinGen allele CA347514.

ClinVar aggregate classification (germline): Pathogenic. Review status: criteria provided, single submitter (1 of 4 stars). 2 submissions from 2 submitters: Pathogenic (1). 1 of the submissions does not count toward it. Last evaluated 2015-03-05.

Conditions:
Dystrophin deficiency.
Duchenne muscular dystrophy (DMD). Also called: MUSCULAR DYSTROPHY, PSEUDOHYPERTROPHIC PROGRESSIVE, DUCHENNE TYPE; Duchenne Muscular Dystrophy (DMD). Identifiers: Orphanet 98896, MedGen C0013264, MONDO:0010679, OMIM 310200.

Allele frequency attached by ClinVar (database versions not stated): gnomAD exomes below 0.00001.
gnomAD v4.1: 1 of 1,211,136 alleles (0.000083%); no homozygotes.

Submissions (2):

Athena Diagnostics
Classification: Pathogenic for Duchenne muscular dystrophy. Last evaluated: 2015-03-05. Review status: criteria provided, single submitter. Criteria: Athena Diagnostics Criteria. Collection method: clinical testing. Allele origin: germline. Inheritance: X-linked recessive inheritance.
Comment: X-linked recessive inheritance

Natera, Inc.
Classification: Pathogenic for Dystrophin deficiency. Last evaluated: 2020-09-16. Review status: no assertion criteria provided. Collection method: clinical testing. Allele origin: germline. Not counted in ClinVar's aggregate classification.

Literature cited by the submitters: PubMed 19937601 (cited by Athena Diagnostics).